The following is an entry in ClinVar:

ClinVar aggregate classification (germline): Uncertain significance. Review status: criteria provided, multiple submitters, no conflicts (2 of 4 stars). 2 submissions from 2 submitters: Uncertain significance (2). Last evaluated 2024-03-13.

Conditions:
Autosomal recessive limb-girdle muscular dystrophy type R18 (LGMDR18). Also called: Limb-girdle muscular dystrophy, type 2S; MUSCULAR DYSTROPHY, LIMB-GIRDLE, AUTOSOMAL RECESSIVE 18; Autosomal recessive limb-girdle muscular dystrophy type 2S. Identifiers: Orphanet 369840, MedGen C4517996, MONDO:0014144, OMIM 615356.

Allele frequency attached by ClinVar (database versions not stated): ExAC 0.00001; gnomAD 0.00001; gnomAD exomes 0.00001.
gnomAD v4.1: 21 of 1,611,460 alleles (0.0013%); highest among the groups gnomAD compares: Non-Finnish European, 0.0013%; no homozygotes.

Submissions (2):

Labcorp Genetics (formerly Invitae), Labcorp
Classification: Uncertain significance for Autosomal recessive limb-girdle muscular dystrophy type R18. Last evaluated: 2024-03-13. Review status: criteria provided, single submitter. Criteria: Invitae Variant Classification Sherloc (09022015). Collection method: clinical testing. Allele origin: germline.
Comment: This sequence change replaces serine, which is neutral and polar, with leucine, which is neutral and non-polar, at codon 71 of the TRAPPC11 protein (p.Ser71Leu). This variant is present in population databases (rs774887816, gnomAD 0.004%). This variant has not been reported in the literature in individuals affected with TRAPPC11-related conditions. ClinVar contains an entry for this variant (Variation ID: 1398124). Advanced modeling of protein sequence and biophysical properties (such as structural, functional, and spatial information, amino acid conservation, physicochemical variation, residue mobility, and thermodynamic stability) performed at Invitae indicates that this missense variant is expected to disrupt TRAPPC11 protein function with a positive predictive value of 80%. In summary, the available evidence is currently insufficient to determine the role of this variant in disease. Therefore, it has been classified as a Variant of Uncertain Significance.

Revvity Omics, Revvity
Classification: Uncertain significance for Autosomal recessive limb-girdle muscular dystrophy type R18. Last evaluated: 2022-08-17. Review status: criteria provided, single submitter. Criteria: ACMG Guidelines, 2015. Collection method: clinical testing. Allele origin: germline.

NM_021942.6(TRAPPC11):c.212C>T (p.Ser71Leu)

Gene: TRAPPC11 (trafficking protein particle complex subunit 11; plus strand). Cytogenetic location: 4q35.1.
Variant type: single nucleotide variant.
Coding change: c.212C>T on transcript NM_021942.6 (MANE Select); coding-DNA position 212, C replaced by T.
Protein change: p.Ser71Leu; replaces serine 71 with leucine.
Molecular consequence: missense variant.
Genome position (GRCh38, 1-based): chr4:183,666,264, C>T. VCF-style: chr4-183666264-C-T. GRCh37 (hg19) VCF-style: chr4-184587417-C-T.
Other names: c.212C>T, p.Ser71Leu (NM_199053.3); short protein forms S71L.
Identifiers: ClinVar variation 1398124 (VCV001398124.8), dbSNP rs774887816, ClinGen allele CA3151532.